The following is an entry in ClinVar:

NM_003922.4(HERC1):c.4847T>G (p.Met1616Arg)

Gene: HERC1 (HECT and RLD domain containing E3 ubiquitin protein ligase family member 1; minus strand). Cytogenetic location: 15q22.31.
Variant type: single nucleotide variant.
Coding change: c.4847T>G on transcript NM_003922.4 (MANE Select); coding-DNA position 4847, T replaced by G.
Protein change: p.Met1616Arg; replaces methionine 1616 with arginine.
Molecular consequence: missense variant.
Genome position (GRCh38, 1-based): chr15:63,698,786, A>C on the plus strand (T>G on the coding strand, the complement: HERC1 is on the minus strand). VCF-style: chr15-63698786-A-C. GRCh37 (hg19) VCF-style: chr15-63990985-A-C.
Other names: short protein forms M1616R.
Identifiers: ClinVar variation 931722 (VCV000931722.3), dbSNP rs2072566970, ClinGen allele CA392750281.

ClinVar aggregate classification (germline): Uncertain significance (1 of 4 stars; one submission).

Conditions:
Macrocephaly, dysmorphic facies, and psychomotor retardation (MDFPMR). Identifiers: Orphanet 457359, MedGen C4310766, MONDO:0014863, OMIM 617011.

Submission:

Centre for Mendelian Genomics, University Medical Centre Ljubljana
Classification: Uncertain significance for Macrocephaly, dysmorphic facies, and psychomotor retardation. Last evaluated: 2019-10-30. Review status: criteria provided, single submitter. Criteria: ACMG Guidelines, 2015. Collection method: clinical testing. Allele origin: unknown. Affected: yes.
Comment: This variant was classified as: Uncertain significance. The available evidence on this variant's pathogenicity is insufficient or conflicting. The following ACMG criteria were applied in classifying this variant: PM2,PP3.